The following is an entry in ClinVar:

ClinVar aggregate classification (germline): Uncertain significance (1 of 4 stars; one submission).

Submission:

Labcorp Genetics (formerly Invitae), Labcorp
Classification: Uncertain significance. Last evaluated: 2025-11-22. Review status: criteria provided, single submitter. Criteria: Invitae Variant Classification Sherloc (09022015). Collection method: clinical testing. Allele origin: germline.
Comment: This sequence change replaces arginine, which is basic and polar, with cysteine, which is neutral and slightly polar, at codon 83 of the IRF9 protein (p.Arg83Cys). This variant is present in population databases (rs751031207, gnomAD 0.004%). This variant has not been reported in the literature in individuals affected with IRF9-related conditions. An algorithm developed to predict the effect of missense changes on protein structure and function (PolyPhen-2) suggests that this variant is likely to be disruptive. In summary, the available evidence is currently insufficient to determine the role of this variant in disease. Therefore, it has been classified as a Variant of Uncertain Significance.

NM_006084.5(IRF9):c.247C>T (p.Arg83Cys)

Gene: IRF9 (interferon regulatory factor 9; plus strand). Cytogenetic location: 14q12.
Variant type: single nucleotide variant.
Coding change: c.247C>T on transcript NM_006084.5 (MANE Select); coding-DNA position 247, C replaced by T.
Protein change: p.Arg83Cys; replaces arginine 83 with cysteine.
Molecular consequence: missense variant.
Genome position (GRCh38, 1-based): chr14:24,163,032, C>T. VCF-style: chr14-24163032-C-T. GRCh37 (hg19) VCF-style: chr14-24632241-C-T.
Other names: c.247C>T, p.Arg83Cys (NM_001385400.1, NM_001385401.1, NM_001385402.1); short protein forms R83C.
Identifiers: ClinVar variation 4700606 (VCV004700606.1).
Genomic context (GRCh38, chr14:24,163,032, plus strand): 5'-GCAATATTTAAGGGAAAGTATAAGGAGGGGGACACAGGAGGTCCAGCTGTCTGGAAGACT[C>T]GCCTGCGCTGTGCACTCAACAAGAGTTCTGAATTTAAGGAGGTTCCTGAGAGGGGCCGCA-3'
Protein context (NP_006075.3, residues 73-93): DTGGPAVWKT[Arg83Cys]LRCALNKSSE